The following is an entry in ClinVar:

NM_004564.3(GATB):c.823G>A (p.Val275Ile)

Gene: GATB (glutamyl-tRNA amidotransferase subunit B; minus strand). Cytogenetic location: 4q31.3.
Variant type: single nucleotide variant.
Coding change: c.823G>A on transcript NM_004564.3 (MANE Select); coding-DNA position 823, G replaced by A.
Protein change: p.Val275Ile; replaces valine 275 with isoleucine.
Molecular consequence: missense variant.
Genome position (GRCh38, 1-based): chr4:151,708,042, C>T on the plus strand (G>A on the coding strand, the complement: GATB is on the minus strand). VCF-style: chr4-151708042-C-T. GRCh37 (hg19) VCF-style: chr4-152629194-C-T.
Other names: c.823G>A (NM_004564.2); c.823G>A, p.Val275Ile (NM_001363341.2); short protein forms V275I.
Identifiers: ClinVar variation 2655128 (VCV002655128.25), dbSNP rs201205798, ClinGen allele CA3105823.

ClinVar aggregate classification (germline): Conflicting classifications of pathogenicity. Review status: criteria provided, conflicting classifications (1 of 4 stars). 2 submissions from 2 submitters: Uncertain significance (1); Likely benign (1). Last evaluated 2024-06-16.

Allele frequency attached by ClinVar (database versions not stated): gnomAD exomes 0.00004; gnomAD 0.00008; ExAC 0.00012; TOPMed 0.00012; 1000 Genomes Project 0.00020; ESP Exome Variant Server 0.00023; 1000 Genomes Project 30x 0.00031.
gnomAD v4.1: 63 of 1,614,152 alleles (0.0039%); highest among the groups gnomAD compares: African/African-American, 0.037%; 1 homozygote.

Submissions (2):

Ambry Genetics
Classification: Uncertain significance. Last evaluated: 2024-06-16. Review status: criteria provided, single submitter. Criteria: Ambry Variant Classification Scheme 2023. Collection method: clinical testing. Allele origin: germline.

CeGaT Center for Human Genetics Tuebingen
Classification: Likely benign. Last evaluated: 2022-05-01. Review status: criteria provided, single submitter. Criteria: CeGaT Center For Human Genetics Tuebingen Variant Classification Criteria Version 2. Collection method: clinical testing. Allele origin: germline. Affected: yes. Observed: 1 variant allele.
Comment: GATB: BP4